The following is an entry in ClinVar:

ClinVar aggregate classification (germline): Uncertain significance (1 of 4 stars; one submission).

Conditions:
Inborn genetic diseases. Identifiers: MedGen C0950123, MeSH D030342.

Submission:

Ambry Genetics
Classification: Uncertain significance for Inborn genetic diseases. Last evaluated: 2025-01-04. Review status: criteria provided, single submitter. Criteria: Ambry Variant Classification Scheme 2023. Collection method: clinical testing. Allele origin: germline.
Comment: The p.A1839T variant (also known as c.5515G>A), located in coding exon 21 of the FANCM gene, results from a G to A substitution at nucleotide position 5515. The alanine at codon 1839 is replaced by threonine, an amino acid with similar properties. This amino acid position is conserved. In addition, this alteration is predicted to be tolerated by in silico analysis. Based on the available evidence, the clinical significance of this variant remains unclear.

NM_020937.4(FANCM):c.5515G>A (p.Ala1839Thr)

Gene: FANCM (FA complementation group M; plus strand). Cytogenetic location: 14q21.2.
Variant type: single nucleotide variant.
Coding change: c.5515G>A on transcript NM_020937.4 (MANE Select); coding-DNA position 5515, G replaced by A.
Protein change: p.Ala1839Thr; replaces alanine 1839 with threonine.
Molecular consequence: missense variant.
Genome position (GRCh38, 1-based): chr14:45,196,346, G>A. VCF-style: chr14-45196346-G-A. GRCh37 (hg19) VCF-style: chr14-45665549-G-A.
Other names: c.5437G>A, p.Ala1813Thr (NM_001308133.2); short protein forms A1839T, A1813T.
Identifiers: ClinVar variation 3848579 (VCV003848579.1).